The following is an entry in ClinVar:

NM_001243133.2(NLRP3):c.2062G>A (p.Glu688Lys)

Gene: NLRP3 (NLR family pyrin domain containing 3; plus strand). Cytogenetic location: 1q44.
Variant type: single nucleotide variant.
Coding change: c.2062G>A on transcript NM_001243133.2 (MANE Select); coding-DNA position 2062, G replaced by A.
Protein change: p.Glu688Lys; replaces glutamic acid 688 with lysine.
Molecular consequence: missense variant.
Genome position (GRCh38, 1-based): chr1:247,425,511, G>A. VCF-style: chr1-247425511-G-A. GRCh37 (hg19) VCF-style: chr1-247588813-G-A.
Other names: c.2062G>A, p.Glu688Lys (NM_001079821.3, NM_001127461.3, NM_001127462.3 and 1 more transcripts); c.2068G>A, p.Glu690Lys (NM_004895.5); short protein forms E690K, E688K.
Identifiers: ClinVar variation 97954 (VCV000097954.2), dbSNP rs104895414, ClinGen allele CA281294.
Genomic context (GRCh38, chr1:247,425,511, plus strand): 5'-ATTGAGAACTGTCATCGGGTGGAGTCACTGTCCCTGGGGTTTCTCCATAACATGCCCAAG[G>A]AGGAAGAGGAGGAGGAAAAGGAAGGCCGACACCTTGATATGGTGCAGTGTGTCCTCCCAA-3'
Protein context (NP_001230062.1, residues 678-698): SLGFLHNMPK[Glu688Lys]EEEEEKEGRH

ClinVar aggregate classification (germline): Uncertain significance. Review status: criteria provided, single submitter (1 of 4 stars). 2 submissions from 2 submitters: Uncertain significance (1). 1 of the submissions does not count toward it. Last evaluated 2024-10-18.

Conditions:
Familial cold autoinflammatory syndrome 1 (FCAS1). Also called: CRYOPYRIN-ASSOCIATED PERIODIC SYNDROME 1; Familial cold inflammatory syndrome 1. Identifiers: Orphanet 47045, MedGen C4551895, MONDO:0007349, OMIM 120100.
Chronic infantile neurological, cutaneous and articular syndrome (CINCA). Also called: CHRONIC NEUROLOGIC CUTANEOUS AND ARTICULAR SYNDROME; CINCA syndrome; Prieur Griscelli syndrome; CRYOPYRIN-ASSOCIATED PERIODIC SYNDROME 3. Identifiers: Orphanet 1451, MedGen C0409818, MONDO:0011776, OMIM 607115.

Submissions (2):

3billion
Classification: Uncertain significance for Chronic infantile neurological, cutaneous and articular syndrome. Last evaluated: 2024-10-18. Review status: criteria provided, single submitter. Criteria: ACMG Guidelines, 2015. Collection method: clinical testing. Allele origin: germline. Affected: yes.
Comment: The variant is not observed in the gnomAD v4.1.0 dataset. Predicted Consequence/Location: Missense variant. Missense changes are a common disease-causing mechanism. The same nucleotide change resulting in the same amino acid change has been previously reported to be associated with NLRP3 related disorder (PMID: 16920754). However, the evidence of pathogenicity is insufficient at this time.A different missense change at the same codon (p.Glu688Gln) has been reported to be associated with NLRP3 related disorder (PMID: 32813153). Therefore, this variant is classified as VUS according to the recommendation of ACMG/AMP guideline.

Unité médicale des maladies autoinflammatoires, CHRU Montpellier
No classification provided. Condition: Familial cold urticaria. Review status: no classification provided. Collection method: not provided. Allele origin: unknown. Not counted in ClinVar's aggregate classification.
Comment: also involved in OMIM 191900 and 607115

Literature cited by the submitters: PubMed 32813153 (cited by 3billion); PubMed 16920754 (cited by 3billion).